The following is an entry in ClinVar:

NM_001458.5(FLNC):c.7075A>G (p.Ile2359Val)

Genes: FLNC (filamin C; plus strand), FLNC-AS1 (FLNC antisense RNA 1; minus strand). Cytogenetic location: 7q32.1.
Variant type: single nucleotide variant.
Coding change: c.7075A>G on transcript NM_001458.5 (MANE Select); coding-DNA position 7075, A replaced by G.
Protein change: p.Ile2359Val; replaces isoleucine 2359 with valine.
Molecular consequence: missense variant.
Genome position (GRCh38, 1-based): chr7:128,854,852, A>G. VCF-style: chr7-128854852-A-G. GRCh37 (hg19) VCF-style: chr7-128494906-A-G.
Other names: c.6976A>G, p.Ile2326Val (NM_001127487.2); short protein forms I2359V, I2326V.
Identifiers: ClinVar variation 472159 (VCV000472159.9), dbSNP rs1554401481, ClinGen allele CA369215176.

ClinVar aggregate classification (germline): Uncertain significance (1 of 4 stars; one submission).

Conditions:
Distal myopathy with posterior leg and anterior hand involvement. Also called: WILLIAMS DISTAL MYOPATHY. Identifiers: Orphanet 63273, MedGen C3279722, MONDO:0013550, OMIM 614065.
Myofibrillar myopathy 5. Also called: Filaminopathy (type); FILAMINOPATHY, AUTOSOMAL DOMINANT. Identifiers: Orphanet 171445, MedGen C1836050, MONDO:0012289, OMIM 609524.
Hypertrophic cardiomyopathy 26. Also called: Cardiomyopathy, familial hypertrophic, 26. Identifiers: Orphanet 75249, MedGen C4310749, MONDO:0014883, OMIM 617047.

Submission:

Labcorp Genetics (formerly Invitae), Labcorp
Classification: Uncertain significance for Distal myopathy with posterior leg and anterior hand involvement; Myofibrillar myopathy 5; Hypertrophic cardiomyopathy 26. Last evaluated: 2022-03-23. Review status: criteria provided, single submitter. Criteria: Invitae Variant Classification Sherloc (09022015). Collection method: clinical testing. Allele origin: germline.
Comment: This variant has not been reported in the literature in individuals affected with FLNC-related conditions. In summary, the available evidence is currently insufficient to determine the role of this variant in disease. Therefore, it has been classified as a Variant of Uncertain Significance. Algorithms developed to predict the effect of missense changes on protein structure and function are either unavailable or do not agree on the potential impact of this missense change (SIFT: "Tolerated"; PolyPhen-2: "Probably Damaging"; Align-GVGD: "Class C0"). ClinVar contains an entry for this variant (Variation ID: 472159). This variant is not present in population databases (gnomAD no frequency). This sequence change replaces isoleucine, which is neutral and non-polar, with valine, which is neutral and non-polar, at codon 2359 of the FLNC protein (p.Ile2359Val).